The following is an entry in ClinVar:

NM_001372.4(DNAH9):c.2524C>T (p.Arg842Trp)

Gene: DNAH9 (dynein axonemal heavy chain 9; plus strand). Cytogenetic location: 17p12.
Variant type: single nucleotide variant.
Coding change: c.2524C>T on transcript NM_001372.4 (MANE Select); coding-DNA position 2524, C replaced by T.
Protein change: p.Arg842Trp; replaces arginine 842 with tryptophan.
Molecular consequence: missense variant.
Genome position (GRCh38, 1-based): chr17:11,652,931, C>T. VCF-style: chr17-11652931-C-T. GRCh37 (hg19) VCF-style: chr17-11556248-C-T.
Other names: p.Arg842Trp; short protein forms R842W.
Identifiers: ClinVar variation 1294658 (VCV001294658.13), dbSNP rs16945138, ClinGen allele CA8395192.
Genomic context (GRCh38, chr17:11,652,931, plus strand): 5'-GTGACTCCAATATTTAAGACAAAAGATGGAAAAAGGGAATCCCTTCTTTCTCTGGATGAT[C>T]GGCATGATCGAATGGAAAAATATTACAATCTCATCAAGGAATCTGGCCTTAAGATCCACG-3'
Protein context (NP_001363.2, residues 832-852): KRESLLSLDD[Arg842Trp]HDRMEKYYNL

ClinVar aggregate classification (germline): Benign. Review status: criteria provided, multiple submitters, no conflicts (2 of 4 stars). 5 submissions from 5 submitters: Benign (4). 1 of the submissions does not count toward it. Last evaluated 2026-01-28.

Conditions:
DNAH9-related disorder. Also called: DNAH9-related condition.

Allele frequency attached by ClinVar (database versions not stated): ExAC 0.01476; gnomAD 0.04665 and 0.05007; ESP Exome Variant Server 0.04998; 1000 Genomes Project 0.05232; TOPMed 0.05240; 1000 Genomes Project 30x 0.05418.
gnomAD v4.1: 14,365 of 1,613,652 alleles (0.89%); highest among the groups gnomAD compares: African/African-American, 16%; 1,087 homozygotes.

Submissions (5):

Labcorp Genetics (formerly Invitae), Labcorp
Classification: Benign. Last evaluated: 2026-01-28. Review status: criteria provided, single submitter. Criteria: Invitae Variant Classification Sherloc (09022015). Collection method: clinical testing. Allele origin: germline.

Mayo Clinic Laboratories, Mayo Clinic
Classification: Benign. Last evaluated: 2023-04-21. Review status: criteria provided, single submitter. Criteria: ACMG Guidelines, 2015. Collection method: clinical testing. Allele origin: germline. Observed: 5 variant alleles.

GeneDx
Classification: Benign. Last evaluated: 2021-05-04. Review status: criteria provided, single submitter. Criteria: GeneDx Variant Classification Process June 2021. Collection method: clinical testing. Allele origin: germline. Affected: yes.

Breakthrough Genomics
Classification: Benign. Review status: criteria provided, single submitter. Criteria: ACMG Guidelines, 2015. Collection method: not provided. Allele origin: germline. Inheritance: Autosomal recessive inheritance. Affected: yes.

PreventionGenetics, part of Exact Sciences
Classification: Benign for DNAH9-related condition. Last evaluated: 2019-08-26. Review status: no assertion criteria provided. Collection method: clinical testing. Allele origin: germline. Not counted in ClinVar's aggregate classification.
Comment: This variant is classified as benign based on ACMG/AMP sequence variant interpretation guidelines (Richards et al. 2015 PMID: 25741868, with internal and published modifications).